The following is an entry in ClinVar:

NC_000015.9:g.(?_28234727)_(28277329_?)del

Gene: OCA2 (OCA2 melanosomal transmembrane protein; minus strand). Cytogenetic location: 15q13.1.
Variant type: Deletion.
Identifiers: ClinVar variation 3243849 (VCV003243849.1).

ClinVar aggregate classification (germline): Pathogenic (1 of 4 stars; one submission).

Submission:

Labcorp Genetics (formerly Invitae), Labcorp
Classification: Pathogenic. Last evaluated: 2023-11-01. Review status: criteria provided, single submitter. Criteria: Invitae Variant Classification Sherloc (09022015). Collection method: clinical testing. Allele origin: unknown.
Comment: This variant is a gross deletion of the genomic region encompassing exon(s) 3-11 of the OCA2 gene. This deletion is out-of-frame, and is expected to create a premature termination codon and result in an absent or disrupted protein product. Loss-of-function variants in OCA2 are known to be pathogenic (PMID: 19865097, 21541274). This variant has not been reported in the literature in individuals affected with OCA2-related conditions. For these reasons, this variant has been classified as Pathogenic.

Literature cited by the submitters: PubMed 19865097; PubMed 21541274.